The following is an entry in ClinVar:

ClinVar aggregate classification (germline): Likely benign. Review status: criteria provided, multiple submitters, no conflicts (2 of 4 stars). 3 submissions from 3 submitters: Likely benign (3). Last evaluated 2025-02-10.

Conditions:
Bethlem myopathy 1A. Also called: MYOPATHY, BENIGN CONGENITAL, WITH CONTRACTURES; Bethlem Muscular Dystrophy; Bethlem myopathy 1. Identifiers: Orphanet 610, MedGen CN029274, MONDO:0024530, OMIM 158810.

Allele frequency attached by ClinVar (database versions not stated): gnomAD 0.00003 and 0.00004; gnomAD exomes 0.00003; ExAC 0.00005; TOPMed 0.00005; ESP Exome Variant Server 0.00008.
gnomAD v4.1: 21 of 1,608,732 alleles (0.0013%); highest among the groups gnomAD compares: African/African-American, 0.011%; no homozygotes.

Submissions (3):

Labcorp Genetics (formerly Invitae), Labcorp
Classification: Likely benign for Bethlem myopathy 1A. Last evaluated: 2025-02-10. Review status: criteria provided, single submitter. Criteria: Invitae Variant Classification Sherloc (09022015). Collection method: clinical testing. Allele origin: germline.

GeneDx
Classification: Likely benign. Last evaluated: 2016-03-08. Review status: criteria provided, single submitter. Criteria: GeneDx Variant Classification (06012015). Collection method: clinical testing. Allele origin: germline. Affected: yes.
Comment: This variant is considered likely benign or benign based on one or more of the following criteria: it is a conservative change, it occurs at a poorly conserved position in the protein, it is predicted to be benign by multiple in silico algorithms, and/or has population frequency not consistent with disease.

Breakthrough Genomics
Classification: Likely benign. Review status: criteria provided, single submitter. Criteria: ACMG Guidelines, 2015. Collection method: not provided. Allele origin: germline. Inheritance: Autosomal recessive inheritance. Affected: yes.

NM_001848.3(COL6A1):c.1957-17C>T

Gene: COL6A1 (collagen type VI alpha 1 chain; plus strand). Cytogenetic location: 21q22.3.
Variant type: single nucleotide variant.
Coding change: c.1957-17C>T on transcript NM_001848.3 (MANE Select); 17 bases into the intron before coding-DNA position 1957, C replaced by T.
Molecular consequence: intron variant.
Genome position (GRCh38, 1-based): chr21:46,001,944, C>T. VCF-style: chr21-46001944-C-T. GRCh37 (hg19) VCF-style: chr21-47421858-C-T.
Identifiers: ClinVar variation 384159 (VCV000384159.7), dbSNP rs370007363, ClinGen allele CA10070690.